The following is an entry in ClinVar:

ClinVar aggregate classification (germline): Uncertain significance. Review status: criteria provided, multiple submitters, no conflicts (2 of 4 stars). 2 submissions from 2 submitters: Uncertain significance (2). Last evaluated 2021-07-07.

Conditions:
SEPN1-related disorder. Also called: SEPN1-Related Disorders. Identifiers: MedGen CN239420.
Eichsfeld type congenital muscular dystrophy (CMYO3). Also called: MYOPATHY, SEPN1-RELATED; Rigid spine muscular dystrophy 1; SELENON-related myopathy; Congenital myopathy 3 with rigid spine. Identifiers: MedGen C0410180, MONDO:0100100, OMIM 602771.

Allele frequency attached by ClinVar (database versions not stated): gnomAD 0.00002; gnomAD exomes 0.00002.
gnomAD v4.1: 18 of 1,094,118 alleles (0.0016%); highest among the groups gnomAD compares: Non-Finnish European, 0.0019%; no homozygotes.

Submissions (2):

Labcorp Genetics (formerly Invitae), Labcorp
Classification: Uncertain significance for Eichsfeld type congenital muscular dystrophy. Last evaluated: 2021-07-07. Review status: criteria provided, single submitter. Criteria: Invitae Variant Classification Sherloc (09022015). Collection method: clinical testing. Allele origin: germline.
Comment: This sequence change replaces alanine with valine at codon 55 of the SELENON protein (p.Ala55Val). The alanine residue is weakly conserved and there is a small physicochemical difference between alanine and valine. The frequency data for this variant in the population databases is considered unreliable, as metrics indicate insufficient coverage at this position in the ExAC database. This variant has not been reported in the literature in individuals affected with SELENON-related conditions. ClinVar contains an entry for this variant (Variation ID: 874396). Algorithms developed to predict the effect of missense changes on protein structure and function are either unavailable or do not agree on the potential impact of this missense change (SIFT: "Tolerated"; PolyPhen-2: "Possibly Damaging"; Align-GVGD: "Class C0"). In summary, the available evidence is currently insufficient to determine the role of this variant in disease. Therefore, it has been classified as a Variant of Uncertain Significance.

Illumina Laboratory Services, Illumina
Classification: Uncertain significance for SEPN1-Related Disorders. Last evaluated: 2018-01-12. Review status: criteria provided, single submitter. Criteria: ICSL Variant Classification Criteria 13 December 2019. Collection method: clinical testing. Allele origin: germline.

NM_206926.2(SELENON):c.164C>T (p.Ala55Val)

Gene: SELENON (selenoprotein N; plus strand). Cytogenetic location: 1p36.11.
Variant type: single nucleotide variant.
Coding change: c.164C>T on transcript NM_206926.2 (MANE Select); coding-DNA position 164, C replaced by T.
Protein change: p.Ala55Val; replaces alanine 55 with valine.
Molecular consequence: missense variant.
Genome position (GRCh38, 1-based): chr1:25,800,394, C>T. VCF-style: chr1-25800394-C-T. GRCh37 (hg19) VCF-style: chr1-26126885-C-T.
Other names: c.164C>T, p.Ala55Val (NM_020451.3); short protein forms A55V.
Identifiers: ClinVar variation 874396 (VCV000874396.10), dbSNP rs2047850597, ClinGen allele CA339106284.